The following is an entry in ClinVar:

NM_198525.3(KIF7):c.2593-7C>T

Gene: KIF7 (kinesin family member 7; minus strand). Cytogenetic location: 15q26.1.
Variant type: single nucleotide variant.
Coding change: c.2593-7C>T on transcript NM_198525.3 (MANE Select); 7 bases into the intron before coding-DNA position 2593, C replaced by T.
Molecular consequence: intron variant.
Genome position (GRCh38, 1-based): chr15:89,633,273, G>A on the plus strand (C>T on the coding strand, the complement: KIF7 is on the minus strand). VCF-style: chr15-89633273-G-A. GRCh37 (hg19) VCF-style: chr15-90176504-G-A.
Other names: c.2593-7C>T (NM_198525.2).
Identifiers: ClinVar variation 1101297 (VCV001101297.11), dbSNP rs548973054, ClinGen allele CA7728070.
Genomic context (GRCh38, chr15:89,633,273, plus strand): 5'-TTCCGTCTTAATCTTCAGGATCTTCTGCTGTTGCTCATGCTTCAGCTCCAGCTCCTGGGT[G>A]AGGAGCTCAGTGGGCAGGGCTGTTTATGGTGCCAGCATCTTACCAGAGCCTGCCACCGAT-3'

ClinVar aggregate classification (germline): Likely benign. Review status: criteria provided, multiple submitters, no conflicts (2 of 4 stars). 3 submissions from 3 submitters: Likely benign (2). 1 of the submissions does not count toward it. Last evaluated 2025-10-08.

Conditions:
KIF7-related disorder. Also called: KIF7-related condition.
Acrocallosal syndrome (ACLS). Also called: HALLUX DUPLICATION, POSTAXIAL POLYDACTYLY, AND ABSENCE OF CORPUS CALLOSUM; Schinzel syndrome 1; Absence of corpus callosum with unusual facial appearance, mental deficiency, duplication of the halluces and polydactyly. Identifiers: Orphanet 36, MedGen C0796147, MONDO:0008708, OMIM 200990.

Allele frequency attached by ClinVar (database versions not stated): gnomAD exomes below 0.00001 and 0.00006; gnomAD 0.00001; TOPMed 0.00001; ExAC 0.00007; 1000 Genomes Project 30x 0.00016; 1000 Genomes Project 0.00020.
gnomAD v4.1: 6 of 1,558,532 alleles (0.00038%); highest among the groups gnomAD compares: East Asian, 0.014%; no homozygotes.

Submissions (3):

Labcorp Genetics (formerly Invitae), Labcorp
Classification: Likely benign for Acrocallosal syndrome. Last evaluated: 2025-10-08. Review status: criteria provided, single submitter. Criteria: Invitae Variant Classification Sherloc (09022015). Collection method: clinical testing. Allele origin: germline.

Blueprint Genetics
Classification: Likely benign. Last evaluated: 2023-01-24. Review status: criteria provided, single submitter. Criteria: ACMG Guidelines, 2015. Collection method: clinical testing. Allele origin: germline.

PreventionGenetics, part of Exact Sciences
Classification: Likely benign for KIF7-related condition. Last evaluated: 2024-06-10. Review status: no assertion criteria provided. Collection method: clinical testing. Allele origin: germline. Not counted in ClinVar's aggregate classification.
Comment: This variant is classified as likely benign based on ACMG/AMP sequence variant interpretation guidelines (Richards et al. 2015 PMID: 25741868, with internal and published modifications).